The following is an entry in ClinVar:

NM_001384732.1(CPLANE1):c.6784G>A (p.Gly2262Arg)

Gene: CPLANE1 (ciliogenesis and planar polarity effector complex subunit 1; minus strand). Cytogenetic location: 5p13.2.
Variant type: single nucleotide variant.
Coding change: c.6784G>A on transcript NM_001384732.1 (MANE Select); coding-DNA position 6784, G replaced by A.
Protein change: p.Gly2262Arg; replaces glycine 2262 with arginine.
Molecular consequence: missense variant.
Genome position (GRCh38, 1-based): chr5:37,169,240, C>T on the plus strand (G>A on the coding strand, the complement: CPLANE1 is on the minus strand). VCF-style: chr5-37169240-C-T. GRCh37 (hg19) VCF-style: chr5-37169342-C-T.
Other names: p.Gly2262Arg; c.6784G>A, p.Gly2262Arg (NM_023073.4); c.6784G>A (NM_023073.3); short protein forms G2262R.
Identifiers: ClinVar variation 1497675 (VCV001497675.8), dbSNP rs769835888, ClinGen allele CA3238187.

ClinVar aggregate classification (germline): Uncertain significance. Review status: criteria provided, multiple submitters, no conflicts (2 of 4 stars). 4 submissions from 4 submitters: Uncertain significance (3). 1 of the submissions does not count toward it. Last evaluated 2025-09-19.

Conditions:
CPLANE1-related disorder. Also called: CPLANE1-related condition.

Allele frequency attached by ClinVar (database versions not stated): ExAC 0.00001; gnomAD 0.00001; gnomAD exomes 0.00001 and 0.00002; TOPMed 0.00002.
gnomAD v4.1: 26 of 1,613,976 alleles (0.0016%); highest among the groups gnomAD compares: Non-Finnish European, 0.0021%; no homozygotes.

Submissions (4):

Mayo Clinic Laboratories, Mayo Clinic
Classification: Uncertain significance. Last evaluated: 2025-09-19. Review status: criteria provided, single submitter. Criteria: ACMG Guidelines, 2015. Collection method: clinical testing. Allele origin: germline. Observed: 1 variant allele.
Comment: BP4_moderate, PM2_supporting

Labcorp Genetics (formerly Invitae), Labcorp
Classification: Uncertain significance. Last evaluated: 2022-07-06. Review status: criteria provided, single submitter. Criteria: Invitae Variant Classification Sherloc (09022015). Collection method: clinical testing. Allele origin: germline.
Comment: This sequence change replaces glycine, which is neutral and non-polar, with arginine, which is basic and polar, at codon 2262 of the CPLANE1 protein (p.Gly2262Arg). This variant is present in population databases (rs769835888, gnomAD 0.002%). This variant has not been reported in the literature in individuals affected with CPLANE1-related conditions. ClinVar contains an entry for this variant (Variation ID: 1497675). Advanced modeling of protein sequence and biophysical properties (such as structural, functional, and spatial information, amino acid conservation, physicochemical variation, residue mobility, and thermodynamic stability) performed at Invitae indicates that this missense variant is not expected to disrupt CPLANE1 protein function. In summary, the available evidence is currently insufficient to determine the role of this variant in disease. Therefore, it has been classified as a Variant of Uncertain Significance.

Blueprint Genetics
Classification: Uncertain significance. Last evaluated: 2021-02-23. Review status: criteria provided, single submitter. Criteria: ACMG Guidelines, 2015. Collection method: clinical testing. Allele origin: germline.

PreventionGenetics, part of Exact Sciences
Classification: Uncertain significance for CPLANE1-related condition. Last evaluated: 2024-05-10. Review status: no assertion criteria provided. Collection method: clinical testing. Allele origin: germline. Not counted in ClinVar's aggregate classification.
Comment: The CPLANE1 c.6784G>A variant is predicted to result in the amino acid substitution p.Gly2262Arg. To our knowledge, this variant has not been reported in the literature. This variant is reported in 0.0018% of alleles in individuals of European (Non-Finnish) descent in gnomAD. At this time, the clinical significance of this variant is uncertain due to the absence of conclusive functional and genetic evidence.